The following is an entry in ClinVar:

NM_000760.4(CSF3R):c.506C>A (p.Thr169Asn)

Gene: CSF3R (colony stimulating factor 3 receptor; minus strand). Cytogenetic location: 1p34.3.
Variant type: single nucleotide variant.
Coding change: c.506C>A on transcript NM_000760.4 (MANE Select); coding-DNA position 506, C replaced by A.
Protein change: p.Thr169Asn; replaces threonine 169 with asparagine.
Molecular consequence: missense variant.
Genome position (GRCh38, 1-based): chr1:36,473,602, G>T on the plus strand (C>A on the coding strand, the complement: CSF3R is on the minus strand). VCF-style: chr1-36473602-G-T. GRCh37 (hg19) VCF-style: chr1-36939203-G-T.
Other names: c.506C>A, p.Thr169Asn (NM_156039.3, NM_172313.3); short protein forms T169N.
Identifiers: ClinVar variation 3725121 (VCV003725121.2).

ClinVar aggregate classification (germline): Uncertain significance (1 of 4 stars; one submission).

Conditions:
Autosomal recessive severe congenital neutropenia due to CSF3R deficiency. Also called: Neutropenia, severe congenital, 7, autosomal recessive. Identifiers: Orphanet 420702, MedGen C4310764, MONDO:0014865, OMIM 617014.

gnomAD v4.1: 1 of 1,614,066 alleles (0.000062%); highest among the groups gnomAD compares: Non-Finnish European, 0.000085%; no homozygotes.

Submission:

Labcorp Genetics (formerly Invitae), Labcorp
Classification: Uncertain significance for Autosomal recessive severe congenital neutropenia due to CSF3R deficiency. Last evaluated: 2025-01-08. Review status: criteria provided, single submitter. Criteria: Invitae Variant Classification Sherloc (09022015). Collection method: clinical testing. Allele origin: germline.
Comment: This sequence change replaces threonine, which is neutral and polar, with asparagine, which is neutral and polar, at codon 169 of the CSF3R protein (p.Thr169Asn). The frequency data for this variant in the population databases is considered unreliable, as metrics indicate poor data quality at this position in the gnomAD database. This variant has not been reported in the literature in individuals affected with CSF3R-related conditions. An algorithm developed to predict the effect of missense changes on protein structure and function (PolyPhen-2) suggests that this variant is likely to be tolerated. In summary, the available evidence is currently insufficient to determine the role of this variant in disease. Therefore, it has been classified as a Variant of Uncertain Significance.